The following is an entry in ClinVar:

ClinVar aggregate classification (germline): Uncertain significance (1 of 4 stars; one submission).

Conditions:
Cryptosporidiosis-chronic cholangitis-liver disease syndrome. Also called: IL21R immunodeficiency; Immunodeficiency type 56. Identifiers: Orphanet 357329, MedGen C3554687, MONDO:0014082, OMIM 615207.

Submission:

Labcorp Genetics (formerly Invitae), Labcorp
Classification: Uncertain significance for Cryptosporidiosis-chronic cholangitis-liver disease syndrome. Last evaluated: 2021-08-27. Review status: criteria provided, single submitter. Criteria: Invitae Variant Classification Sherloc (09022015). Collection method: clinical testing. Allele origin: germline.
Comment: This sequence change falls in intron 5 of the IL21R gene. It does not directly change the encoded amino acid sequence of the IL21R protein. This variant is not present in population databases (ExAC no frequency). This variant has not been reported in the literature in individuals affected with IL21R-related conditions. Algorithms developed to predict the effect of sequence changes on RNA splicing suggest that this variant may disrupt the consensus splice site. In summary, the available evidence is currently insufficient to determine the role of this variant in disease. Therefore, it has been classified as a Variant of Uncertain Significance.

NM_181078.3(IL21R):c.508-7_508-6delinsAC

Gene: IL21R (interleukin 21 receptor; plus strand). Cytogenetic location: 16p12.1.
Variant type: Indel.
Coding change: c.508-7_508-6delinsAC on transcript NM_181078.3 (MANE Select); 7 bases into the intron before coding-DNA position 508 through 6 bases into the intron before coding-DNA position 508, CT replaced by AC.
Molecular consequence: intron variant.
Genome position (GRCh38, 1-based): chr16:27,444,535-27,444,536, CT replaced by AC. VCF-style: chr16-27444535-CT-AC. GRCh37 (hg19) VCF-style: chr16-27455856-CT-AC.
Other names: c.574-7_574-6delinsAC (NM_181079.5); c.508-7_508-6delinsAC (NM_021798.4).
Identifiers: ClinVar variation 1005077 (VCV001005077.8), dbSNP rs2087443732, ClinGen allele CA2215234320.